The following is an entry in ClinVar:

NM_001377458.1(CLCC1):c.239_240del (p.Glu80fs)

Gene: CLCC1 (chloride channel CLIC like 1; minus strand). Cytogenetic location: 1p13.3.
Variant type: Deletion.
Coding change: c.239_240del on transcript NM_001377458.1 (MANE Select); coding-DNA positions 239 to 240, 2 bases deleted (AG; older notation c.239_240delAG).
Protein change: p.Glu80fs; shifts the reading frame from glutamic acid 80.
Molecular consequence: frameshift variant. On other transcripts: 5 prime UTR variant (1), non-coding transcript variant (1).
Genome position (GRCh38, 1-based): chr1:108,947,710-108,947,711, CT deleted on the plus strand (AG on the coding strand, the reverse complement: CLCC1 is on the minus strand); deleting any 2 consecutive bases within chr1:108,947,710-108,947,712 gives the same sequence; the c. name uses the placement nearest the transcript's 3' end. VCF-style (leftmost placement, unchanged base first): chr1-108947709-ACT-A. GRCh37 (hg19) VCF-style: chr1-109490331-ACT-A.
Other names: c.239_240del, p.Glu80fs (NM_001048210.3, NM_001278202.2, NM_001278203.1 and 11 more transcripts); c.137_138del, p.Glu46fs (NM_001377469.1); c.-224_-223del (NM_001377470.1); short protein forms E46fs, E80fs.
Identifiers: ClinVar variation 3623141 (VCV003623141.2).

ClinVar aggregate classification (germline): Uncertain significance (1 of 4 stars; one submission).

Submission:

Labcorp Genetics (formerly Invitae), Labcorp
Classification: Uncertain significance. Last evaluated: 2024-10-03. Review status: criteria provided, single submitter. Criteria: Invitae Variant Classification Sherloc (09022015). Collection method: clinical testing. Allele origin: germline.
Comment: This sequence change creates a premature translational stop signal (p.Glu80Valfs*2) in the CLCC1 gene. It is expected to result in an absent or disrupted protein product. However, the current clinical and genetic evidence is not sufficient to establish whether loss-of-function variants in CLCC1 cause disease. This variant is present in population databases (rs763009588, gnomAD 0.03%). This variant has not been reported in the literature in individuals affected with CLCC1-related conditions. Experimental studies and prediction algorithms are not available or were not evaluated, and the functional significance of this variant is currently unknown. In summary, the available evidence is currently insufficient to determine the role of this variant in disease. Therefore, it has been classified as a Variant of Uncertain Significance.